The following is an entry in ClinVar:

ClinVar aggregate classification (germline): Uncertain significance. Review status: criteria provided, multiple submitters, no conflicts (2 of 4 stars). 2 submissions from 2 submitters: Uncertain significance (2). Last evaluated 2025-12-07.

Conditions:
Inborn genetic diseases. Identifiers: MedGen C0950123, MeSH D030342.
Leukemia, acute lymphoblastic, susceptibility to, 3 (ALL3). Identifiers: MedGen C3809874, MONDO:0014241, OMIM 615545.

Submissions (2):

Ambry Genetics
Classification: Uncertain significance for Inborn genetic diseases. Last evaluated: 2025-12-07. Review status: criteria provided, single submitter. Criteria: Ambry Variant Classification Scheme 2023. Collection method: clinical testing. Allele origin: germline.
Comment: The p.A45S variant (also known as c.133G>T), located in coding exon 2 of the PAX5 gene, results from a G to T substitution at nucleotide position 133. The alanine at codon 45 is replaced by serine, an amino acid with similar properties. This amino acid position is conserved. In addition, this alteration is predicted to be deleterious by in silico analysis. Based on the available evidence, the clinical significance of this variant remains unclear.

Laboratorio de Genetica e Diagnostico Molecular, Hospital Israelita Albert Einstein
Classification: Uncertain significance for Leukemia, acute lymphoblastic, susceptibility to, 3. Last evaluated: 2025-06-02. Review status: criteria provided, single submitter. Criteria: ACMG Guidelines, 2015. Collection method: clinical testing. Allele origin: germline. Affected: yes.
Comment: ACMG classification criteria: PM2 supporting, PP3 supporting

NM_016734.3(PAX5):c.133G>T (p.Ala45Ser)

Gene: PAX5 (paired box 5; minus strand). Cytogenetic location: 9p13.2.
Variant type: single nucleotide variant.
Coding change: c.133G>T on transcript NM_016734.3 (MANE Select); coding-DNA position 133, G replaced by T.
Protein change: p.Ala45Ser; replaces alanine 45 with serine.
Molecular consequence: missense variant. On other transcripts: non-coding transcript variant (2), intron variant (2).
Genome position (GRCh38, 1-based): chr9:37,020,715, C>A on the plus strand (G>T on the coding strand, the complement: PAX5 is on the minus strand). VCF-style: chr9-37020715-C-A. GRCh37 (hg19) VCF-style: chr9-37020712-C-A.
Other names: c.133G>T, p.Ala45Ser (NM_001280547.2, NM_001280548.2, NM_001280549.2 and 5 more transcripts); c.-112-5521G>T (NM_001280551.2, NM_001280556.2); short protein forms A45S.
Identifiers: ClinVar variation 4626978 (VCV004626978.2).